The following is an entry in ClinVar:

NR_003051.3(RMRP):n.-25_-3dupTACTACTCTGTGAAGCTGAGGAC

Gene: RMRP (RNA component of mitochondrial RNA processing endoribonuclease; minus strand). Cytogenetic location: 9p13.3.
Variant type: Duplication.
Genome position: GRCh38 VCF-style: chr9-35658020-C-CGTCCTCAGCTTCACAGAGTAGTA. GRCh37 (hg19) VCF-style: chr9-35658017-C-CGTCCTCAGCTTCACAGAGTAGTA.
Identifiers: ClinVar variation 551723 (VCV000551723.14), dbSNP rs1554651413, ClinGen allele CA587570195.

ClinVar aggregate classification (germline): Pathogenic/Likely pathogenic. Review status: criteria provided, multiple submitters, no conflicts (2 of 4 stars). 4 submissions from 4 submitters: Pathogenic (1); Likely pathogenic (2). 1 of the submissions does not count toward it. Last evaluated 2025-10-13.

Conditions:
RMRP-related disorder. Also called: RMRP-related condition.
Anauxetic dysplasia. Identifiers: Orphanet 93347, MedGen C1846796, MONDO:0011773.
Metaphyseal chondrodysplasia, McKusick type (CHH). Also called: Cartilage-hair hypoplasia; Cartilage-Hair Hypoplasia (CHH). Identifiers: Orphanet 175, MedGen C0220748, MONDO:0009595, OMIM 250250.

Allele frequency attached by ClinVar (database versions not stated): gnomAD exomes 0.00001 and 0.00003; gnomAD 0.00004 and 0.00005.

Submissions (4):

Labcorp Genetics (formerly Invitae), Labcorp
Classification: Pathogenic for Anauxetic dysplasia. Last evaluated: 2025-10-13. Review status: criteria provided, single submitter. Criteria: Invitae Variant Classification Sherloc (09022015). Collection method: clinical testing. Allele origin: germline.
Comment: This variant occurs in the RMRP gene, which encodes an RNA molecule that does not result in a protein product. This variant is present in population databases (no rsID available, gnomAD 0.002%). While this particular variant has not been reported in the literature, it is located in the promoter region between the TATA box and the transcription initiation site, and other insertions and duplications immediately upstream of the coding sequence have been reported in individuals affected with cartilage-hair hypoplasia-anauxetic dysplasia (CHH-AD) spectrum disorders (PMID: 16244706, 11207361, 12107819). ClinVar contains an entry for this variant (Variation ID: 551723). While functional studies for this variant have not been reported, experimental analyses using patient derived cells, as well as in vitro transfection studies, have shown that promoter insertions result in silencing of RMRP transcription and reduced expression of the gene product (PMID: 11207361, 16254002). For these reasons, this variant has been classified as Pathogenic.

Natera, Inc.
Classification: Likely pathogenic for Cartilage-hair hypoplasia. Last evaluated: 2025-09-28. Review status: criteria provided, single submitter. Criteria: Natera Variant Classification Schema (03/2026). Collection method: clinical testing. Allele origin: germline.
Comment: The n.-25_-3dupTACTACTCTGTGAAGCTGAGGAC variant in RMRP is a duplication affecting the RMRP promoter region between the TATA box and the transcription initiation site. Other duplications and insertions just upstream of the transcription initiation site have been reported in individuals affected with cartilage-hair hypoplasia (PMID: 11207361, 17937437). This variant is rare in the general population with a frequency below the threshold expected for the associated phenotype(s). Given the available evidence, this variant is classified as Likely Pathogenic.

Blueprint Genetics
Classification: Likely pathogenic for RMRP-related disorders. Last evaluated: 2021-07-21. Review status: criteria provided, single submitter. Criteria: ACMG Guidelines, 2015. Collection method: clinical testing. Allele origin: germline. Affected: yes. Observed: 3 variant alleles.

Counsyl
Classification: Likely pathogenic for Metaphyseal chondrodysplasia, McKusick type. Last evaluated: 2017-05-04. Review status: no assertion criteria provided. Collection method: clinical testing. Allele origin: unknown. Not counted in ClinVar's aggregate classification.

Literature cited by the submitters: PubMed 16244706 (cited by Labcorp Genetics (formerly Invitae), Labcorp); PubMed 11207361 (cited by 3 submitters); PubMed 12107819 (cited by Labcorp Genetics (formerly Invitae), Labcorp); PubMed 16254002 (cited by Labcorp Genetics (formerly Invitae), Labcorp and Counsyl); PubMed 17937437 (cited by Natera, Inc. and Counsyl); PubMed 14608646 (cited by Counsyl).